The following is an entry in ClinVar:

NM_007180.3(TREH):c.1590T>C (p.Tyr530=)

Genes: TREH (trehalase; minus strand), LOC112042778 (Sharpr-MPRA regulatory region 11464; plus strand). Cytogenetic location: 11q23.3.
Variant type: single nucleotide variant.
Coding change: c.1590T>C on transcript NM_007180.3 (MANE Select); coding-DNA position 1590, T replaced by C.
Protein change: p.Tyr530=; no amino-acid change (tyrosine 530 retained).
Molecular consequence: synonymous variant.
Genome position (GRCh38, 1-based): chr11:118,658,689, A>G on the plus strand (T>C on the coding strand, the complement: TREH is on the minus strand). VCF-style: chr11-118658689-A-G. GRCh37 (hg19) VCF-style: chr11-118529398-A-G.
Other names: c.1497T>C, p.Tyr499= (NM_001301065.2).
Identifiers: ClinVar variation 3057390 (VCV003057390.2), dbSNP rs2500841089, ClinGen allele CA477105068.

ClinVar aggregate classification (germline): Likely benign (0 of 4 stars; one submission).

Conditions:
TREH-related disorder. Also called: TREH-related condition.

Submission:

PreventionGenetics, part of Exact Sciences
Classification: Likely benign for TREH-related condition. Last evaluated: 2019-03-14. Review status: no assertion criteria provided. Collection method: clinical testing. Allele origin: germline.
Comment: This variant is classified as likely benign based on ACMG/AMP sequence variant interpretation guidelines (Richards et al. 2015 PMID: 25741868, with internal and published modifications).